The following is an entry in ClinVar:

ClinVar aggregate classification (germline): Pathogenic/Likely pathogenic. Review status: criteria provided, multiple submitters, no conflicts (2 of 4 stars). 6 submissions from 6 submitters: Pathogenic (4); Likely pathogenic (1). 1 of the submissions does not count toward it. Last evaluated 2025-10-08.

Conditions:
Citrullinemia. Identifiers: Orphanet 187, MedGen C0175683, MONDO:0015991.
Citrullinemia type I (CTNL1). Also called: argininosuccinate synthetase deficiency; ASS DEFICIENCY. Identifiers: Orphanet 247525, MedGen C4721769, MONDO:0008988, OMIM 215700.

Allele frequency attached by ClinVar (database versions not stated): ExAC 0.00001; gnomAD 0.00001; gnomAD exomes 0.00001.
gnomAD v4.1: 11 of 1,612,430 alleles (0.00068%); highest among the groups gnomAD compares: East Asian, 0.0045%; no homozygotes.

Submissions (6):

Labcorp Genetics (formerly Invitae), Labcorp
Classification: Pathogenic for Citrullinemia. Last evaluated: 2025-10-08. Review status: criteria provided, single submitter. Criteria: Invitae Variant Classification Sherloc (09022015). Collection method: clinical testing. Allele origin: germline.
Comment: This sequence change replaces arginine, which is basic and polar, with histidine, which is basic and polar, at codon 86 of the ASS1 protein (p.Arg86His). This variant is present in population databases (rs575001023, gnomAD 0.01%). This missense change has been observed in individual(s) with citrullinemia type I (PMID: 12815590, 28132756). ClinVar contains an entry for this variant (Variation ID: 265960). Invitae Evidence Modeling of protein sequence and biophysical properties (such as structural, functional, and spatial information, amino acid conservation, physicochemical variation, residue mobility, and thermodynamic stability) has been performed for this missense variant. However, the output from this modeling did not meet the statistical confidence thresholds required to predict the impact of this variant on ASS1 protein function. This variant disrupts the p.Arg86 amino acid residue in ASS1. Other variant(s) that disrupt this residue have been determined to be pathogenic (PMID: 1943692, 25433810). This suggests that this residue is clinically significant, and that variants that disrupt this residue are likely to be disease-causing. For these reasons, this variant has been classified as Pathogenic.

Natera, Inc.
Classification: Pathogenic for Citrullinemia type I. Last evaluated: 2025-07-31. Review status: criteria provided, single submitter. Criteria: Natera Variant Classification Schema (03/2026). Collection method: clinical testing. Allele origin: germline.
Comment: The c.257G>A variant in ASS1 is a missense variant predicted to cause substitution of arginine to histidine at amino acid 86. This variant is rare in the general population with a frequency below the threshold expected for the associated phenotype(s). This variant has been observed in one or more individuals affected with the associated recessive disease, as either homozygous or compound heterozygous with a second variant (PMID: 28132756, 12815590, 15580409, 33617202). A different variant at the same position has been determined to be Pathogenic or Likely Pathogenic. Given the available evidence, this variant is classified as Pathogenic.

Women's Health and Genetics/Laboratory Corporation of America, LabCorp
Classification: Pathogenic for Citrullinemia. Last evaluated: 2024-12-18. Review status: criteria provided, single submitter. Criteria: LabCorp Variant Classification Summary - May 2015. Collection method: clinical testing. Allele origin: germline.
Comment: Variant summary: ASS1 c.257G>A (p.Arg86His) results in a non-conservative amino acid change located in the Arginosuccinate synthase N-terminal HUP domain (IPR048267) of the encoded protein sequence. Three of five in-silico tools predict a damaging effect of the variant on protein function. The variant allele was found at a frequency of 1.2e-05 in 250838 control chromosomes. c.257G>A has been reported in the literature in multiple homozygous or compound heterozygous individuals affected with Citrullinemia Type I (e.g. Gao_2003, Kose_2017, Liu_2021). These data indicate that the variant is very likely to be associated with disease. A different variant affecting the same codon has been classified as pathogenic by our lab (c.256C>T, p.Arg86Cys), supporting the critical relevance of codon 86 to ASS1 protein function. To our knowledge, no experimental evidence demonstrating an impact on protein function has been reported. The following publications have been ascertained in the context of this evaluation (PMID: 12815590, 15580409, 28132756, 33617202). ClinVar contains an entry for this variant (Variation ID: 265960). Based on the evidence outlined above, the variant was classified as pathogenic.

Baylor Genetics
Classification: Pathogenic for Citrullinemia type I. Last evaluated: 2024-02-26. Review status: criteria provided, single submitter. Criteria: ACMG Guidelines, 2015. Collection method: clinical testing. Allele origin: unknown.

GeneDx
Classification: Likely pathogenic. Last evaluated: 2020-09-15. Review status: criteria provided, single submitter. Criteria: GeneDx Variant Classification Process June 2021. Collection method: clinical testing. Allele origin: germline. Affected: yes.
Comment: Not observed at a significant frequency in large population cohorts (Lek et al., 2016); In silico analysis, which includes protein predictors and evolutionary conservation, supports a deleterious effect; This variant is associated with the following publications: (PMID: 12815590, 20301631, 19006241, 24508627, 18925679, 28132756, 28111830)

GeneReviews
No classification provided. Condition: Citrullinemia type I. Review status: no classification provided. Collection method: literature only. Allele origin: germline. Affected: yes. Not counted in ClinVar's aggregate classification.

Literature cited by the submitters: PubMed 12815590 (cited by 4 submitters); PubMed 28132756 (cited by 3 submitters); PubMed 1943692 (cited by Labcorp Genetics (formerly Invitae), Labcorp); PubMed 25433810 (cited by Labcorp Genetics (formerly Invitae), Labcorp); PubMed 15580409 (cited by Natera, Inc. and Women's Health and Genetics/Laboratory Corporation of America, LabCorp); PubMed 33617202 (cited by Natera, Inc. and Women's Health and Genetics/Laboratory Corporation of America, LabCorp); NCBI Bookshelf NBK1458 (cited by GeneReviews).

NM_054012.4(ASS1):c.257G>A (p.Arg86His)

Gene: ASS1 (argininosuccinate synthase 1; plus strand). Cytogenetic location: 9q34.11.
Variant type: single nucleotide variant.
Coding change: c.257G>A on transcript NM_054012.4 (MANE Select); coding-DNA position 257, G replaced by A.
Protein change: p.Arg86His; replaces arginine 86 with histidine.
Molecular consequence: missense variant.
Genome position (GRCh38, 1-based): chr9:130,458,483, G>A. VCF-style: chr9-130458483-G-A. GRCh37 (hg19) VCF-style: chr9-133333870-G-A.
Other names: c.257G>A, p.Arg86His (NM_000050.4); short protein forms R86H.
Identifiers: ClinVar variation 265960 (VCV000265960.15), dbSNP rs575001023, ClinGen allele CA5283210.
Genomic context (GRCh38, chr9:130,458,483, plus strand): 5'-GGGAGTTTGTGGAGGAGTTCATCTGGCCGGCCATCCAGTCCAGCGCACTGTATGAGGACC[G>A]CTACCTCCTGGGCACCTCTCTTGCCAGGCCCTGCATCGCCCGCAAACAAGTGGAAATCGC-3'
Protein context (NP_446464.1, residues 76-96): AIQSSALYED[Arg86His]YLLGTSLARP